The following is an entry in ClinVar:

NM_001079802.2(FKTN):c.175_180del (p.Lys59_Lys60del)

Gene: FKTN (fukutin; plus strand). Cytogenetic location: 9q31.2.
Variant type: Deletion.
Coding change: c.175_180del on transcript NM_001079802.2 (MANE Select); coding-DNA positions 175 to 180, 6 bases deleted (AAAAAA; older notation c.175_180delAAAAAA).
Protein change: p.Lys59_Lys60del.
Molecular consequence: inframe deletion. On other transcripts: 5 prime UTR variant (4), non-coding transcript variant (2).
Genome position (GRCh38, 1-based): chr9:105,601,154-105,601,159, AAAAAA deleted. VCF-style (leftmost placement, unchanged base first): chr9-105601153-TAAAAAA-T. GRCh37 (hg19) VCF-style: chr9-108363434-TAAAAAA-T.
Other names: c.175_180del, p.Lys59_Lys60del (NM_001198963.2, NM_001351496.2, NM_001351498.2 and 1 more transcripts); c.106_111del, p.Lys36_Lys37del (NM_001351497.2); c.-340_-335del (NM_001351499.2, NM_001351500.2, NM_001351501.2 and 1 more transcripts); c.175_180del6 (NM_001079802.1).
Identifiers: ClinVar variation 557148 (VCV000557148.4), dbSNP rs1554751112, ClinGen allele CA658823353.
Genomic context (GRCh38, chr9:105,601,153, plus strand): 5'-GACTGTTGTGTTGGCTTACTGGAATTACGAGAATTCTTTTTCTCTCAAACAGCGTGCAGT[TAAAAAA>T]TTTATTATGTTAACATCCAACCAAAATGTACCAGTGTTTCTTATTGATCCTTTGATACTG-3'

ClinVar aggregate classification (germline): Uncertain significance. Review status: criteria provided, single submitter (1 of 4 stars). 2 submissions from 2 submitters: Uncertain significance (1). 1 of the submissions does not count toward it. Last evaluated 2024-04-10.

Conditions:
Walker-Warburg congenital muscular dystrophy. Also called: Muscular dystrophy-dystroglycanopathy, type A; Walker-Warburg syndrome. Identifiers: Orphanet 899, MedGen C0265221, MONDO:0000171.
Muscular dystrophy-dystroglycanopathy (congenital with brain and eye anomalies), type A, 4 (MDDGA4). Also called: Congenital muscular dystrophy-dystroglycanopathy with brain and eye anomalies, type A4; Walker-Warburg Syndrome, Fktn-Related; Muscular dystrophy, congenital progressive, with mental retardation; Muscular dystrophy, congenital, with central nervous system involvement; Cerebromuscular dystrophy, Fukuyama type; Fukuyama congenital muscular dystrophy. Identifiers: Orphanet 272, Orphanet 588, Orphanet 899, MedGen C0410174, MONDO:0009678, OMIM 253800.

Submissions (2):

Labcorp Genetics (formerly Invitae), Labcorp
Classification: Uncertain significance for Walker-Warburg congenital muscular dystrophy. Last evaluated: 2024-04-10. Review status: criteria provided, single submitter. Criteria: Invitae Variant Classification Sherloc (09022015). Collection method: clinical testing. Allele origin: germline.
Comment: This variant, c.175_180del, results in the deletion of 2 amino acid(s) of the FKTN protein (p.Lys59_Lys60del), but otherwise preserves the integrity of the reading frame. This variant is not present in population databases (gnomAD no frequency). This variant has been observed in individual(s) with congenital muscular dystrophy (PMID: 33200426). ClinVar contains an entry for this variant (Variation ID: 557148). Experimental studies and prediction algorithms are not available or were not evaluated, and the functional significance of this variant is currently unknown. In summary, the available evidence is currently insufficient to determine the role of this variant in disease. Therefore, it has been classified as a Variant of Uncertain Significance.

Counsyl
Classification: Uncertain significance for Muscular dystrophy-dystroglycanopathy (congenital with brain and eye anomalies), type A, 4. Last evaluated: 2018-03-05. Review status: no assertion criteria provided. Collection method: clinical testing. Allele origin: unknown. Not counted in ClinVar's aggregate classification.

Literature cited by the submitters: PubMed 33200426 (cited by Labcorp Genetics (formerly Invitae), Labcorp).